The following is an entry in ClinVar:

ClinVar aggregate classification (germline): Uncertain significance (1 of 4 stars; one submission).

Conditions:
Catecholaminergic polymorphic ventricular tachycardia 1. Also called: VENTRICULAR TACHYCARDIA, CATECHOLAMINERGIC POLYMORPHIC, 1, WITH OR WITHOUT ATRIAL DYSFUNCTION AND/OR DILATED CARDIOMYOPATHY; VENTRICULAR TACHYCARDIA, STRESS-INDUCED POLYMORPHIC 1; RYR2-Related Catecholaminergic Polymorphic Ventricular Tachycardia. Identifiers: Orphanet 3286, MedGen C1631597, MONDO:0011484, OMIM 604772.

Allele frequency attached by ClinVar (database versions not stated): TOPMed below 0.00001; gnomAD 0.00001; gnomAD exomes 0.00001; 1000 Genomes Project 0.00020; 1000 Genomes Project 30x 0.00031.
gnomAD v4.1: 8 of 1,597,640 alleles (0.0005%); highest among the groups gnomAD compares: Admixed American, 0.007%; no homozygotes.

Submission:

Labcorp Genetics (formerly Invitae), Labcorp
Classification: Uncertain significance for Catecholaminergic polymorphic ventricular tachycardia 1. Last evaluated: 2023-11-27. Review status: criteria provided, single submitter. Criteria: Invitae Variant Classification Sherloc (09022015). Collection method: clinical testing. Allele origin: germline.
Comment: This sequence change replaces proline, which is neutral and non-polar, with leucine, which is neutral and non-polar, at codon 291 of the TRDN protein (p.Pro291Leu). The frequency data for this variant in the population databases is considered unreliable, as metrics indicate poor data quality at this position in the gnomAD database. This variant has not been reported in the literature in individuals affected with TRDN-related conditions. ClinVar contains an entry for this variant (Variation ID: 840584). Advanced modeling of protein sequence and biophysical properties (such as structural, functional, and spatial information, amino acid conservation, physicochemical variation, residue mobility, and thermodynamic stability) has been performed at Invitae for this missense variant, however the output from this modeling did not meet the statistical confidence thresholds required to predict the impact of this variant on TRDN protein function. In summary, the available evidence is currently insufficient to determine the role of this variant in disease. Therefore, it has been classified as a Variant of Uncertain Significance.

NM_006073.4(TRDN):c.872C>T (p.Pro291Leu)

Genes: TRDN (triadin; minus strand), TRDN-AS1 (TRDN antisense RNA 1; plus strand). Cytogenetic location: 6q22.31.
Variant type: single nucleotide variant.
Coding change: c.872C>T on transcript NM_006073.4 (MANE Select); coding-DNA position 872, C replaced by T.
Protein change: p.Pro291Leu; replaces proline 291 with leucine.
Molecular consequence: missense variant.
Genome position (GRCh38, 1-based): chr6:123,464,965, G>A on the plus strand (C>T on the coding strand, the complement: TRDN is on the minus strand). VCF-style: chr6-123464965-G-A. GRCh37 (hg19) VCF-style: chr6-123786110-G-A.
Other names: c.872C>T, p.Pro291Leu (NM_001251987.2); c.812C>T, p.Pro271Leu (NM_001256020.2); short protein forms P271L, P291L.
Identifiers: ClinVar variation 840584 (VCV000840584.11), dbSNP rs530972011, ClinGen allele CA147276888.